The following is an entry in ClinVar:

ClinVar aggregate classification (germline): Uncertain significance (1 of 4 stars; one submission).

Submission:

Labcorp Genetics (formerly Invitae), Labcorp
Classification: Uncertain significance. Last evaluated: 2022-11-22. Review status: criteria provided, single submitter. Criteria: Invitae Variant Classification Sherloc (09022015). Collection method: clinical testing. Allele origin: germline.
Comment: In summary, the available evidence is currently insufficient to determine the role of this variant in disease. Therefore, it has been classified as a Variant of Uncertain Significance. Advanced modeling of protein sequence and biophysical properties (such as structural, functional, and spatial information, amino acid conservation, physicochemical variation, residue mobility, and thermodynamic stability) performed at Invitae indicates that this missense variant is not expected to disrupt CRB2 protein function. This variant has not been reported in the literature in individuals affected with CRB2-related conditions. This variant is not present in population databases (gnomAD no frequency). This sequence change replaces glutamic acid, which is acidic and polar, with glutamine, which is neutral and polar, at codon 223 of the CRB2 protein (p.Glu223Gln).

NM_173689.7(CRB2):c.667G>C (p.Glu223Gln)

Gene: CRB2 (crumbs cell polarity complex component 2; plus strand). Cytogenetic location: 9q33.3.
Variant type: single nucleotide variant.
Coding change: c.667G>C on transcript NM_173689.7 (MANE Select); coding-DNA position 667, G replaced by C.
Protein change: p.Glu223Gln; replaces glutamic acid 223 with glutamine.
Molecular consequence: missense variant.
Genome position (GRCh38, 1-based): chr9:123,366,279, G>C. VCF-style: chr9-123366279-G-C. GRCh37 (hg19) VCF-style: chr9-126128558-G-C.
Other names: short protein forms E223Q.
Identifiers: ClinVar variation 1716954 (VCV001716954.5), dbSNP rs2550681868, ClinGen allele CA374857720.